The following is an entry in ClinVar:

NM_031935.3(HMCN1):c.7817C>T (p.Thr2606Ile)

Gene: HMCN1 (hemicentin 1; plus strand). Cytogenetic location: 1q31.1.
Variant type: single nucleotide variant.
Coding change: c.7817C>T on transcript NM_031935.3 (MANE Select); coding-DNA position 7817, C replaced by T.
Protein change: p.Thr2606Ile; replaces threonine 2606 with isoleucine.
Molecular consequence: missense variant.
Genome position (GRCh38, 1-based): chr1:186,067,945, C>T. VCF-style: chr1-186067945-C-T. GRCh37 (hg19) VCF-style: chr1-186037077-C-T.
Other names: short protein forms T2606I.
Identifiers: ClinVar variation 3624380 (VCV003624380.2).

ClinVar aggregate classification (germline): Uncertain significance (1 of 4 stars; one submission).

gnomAD v4.1: 1 of 1,613,524 alleles (0.000062%); highest among the groups gnomAD compares: Admixed American, 0.0017%; no homozygotes.

Submission:

Labcorp Genetics (formerly Invitae), Labcorp
Classification: Uncertain significance. Last evaluated: 2024-10-02. Review status: criteria provided, single submitter. Criteria: Invitae Variant Classification Sherloc (09022015). Collection method: clinical testing. Allele origin: germline.
Comment: This sequence change replaces threonine, which is neutral and polar, with isoleucine, which is neutral and non-polar, at codon 2606 of the HMCN1 protein (p.Thr2606Ile). This variant is not present in population databases (gnomAD no frequency). This variant has not been reported in the literature in individuals affected with HMCN1-related conditions. An algorithm developed to predict the effect of missense changes on protein structure and function outputs the following: PolyPhen-2: "Possibly Damaging". The isoleucine amino acid residue is found in multiple mammalian species, which suggests that this missense change does not adversely affect protein function. In summary, the available evidence is currently insufficient to determine the role of this variant in disease. Therefore, it has been classified as a Variant of Uncertain Significance.